The following is an entry in ClinVar:

ClinVar aggregate classification (germline): Likely pathogenic (1 of 4 stars; one submission).

Conditions:
Cystinuria (CSNU). Also called: CYSTINURIA, TYPE I; CYSTINURIA, TYPE II; CYSTINURIA, TYPE III; Cystinuria, non-type I. Identifiers: Orphanet 214, MedGen C0010691, MONDO:0009067, OMIM 220100, HP:0003131.

Submission:

Lifecell International Pvt. Ltd
Classification: Likely pathogenic for Cystinuria. Review status: criteria provided, single submitter. Criteria: ACMG Guidelines, 2015. Collection method: clinical testing. Allele origin: germline. Inheritance: Autosomal dominant inheritance. Affected: yes. Observed: 1 heterozygote.
Comment: A Heterozygous indel variant c.1106_1129delinsCCCGGCAGG in Exon 6 of the SLC3A1 gene that results in the amino acid substitution p.Gln370fs*20 was identified. The observed variant has a minor allele frequency of 0% in gnomAD exomes and genomes, respectively. The severity of the impact of this variant on the protein is high, based on the effect of the protein and REVEL score. Rare Exome Variant Ensemble Learner (REVEL) is an ensembl method for predicting the pathogenicity of missense variants based on a combination of scores from 13 individual tools: MutPred, FATHMM v2.3, VEST 3.0, PolyPhen-2, SIFT, PROVEAN, MutationAssessor, MutationTaster, LRT, GERP++, SiPhy, phyloP, and phastCons. The REVEL score for an individual missense variant can range from 0 to 1, with higher scores reflecting greater likelihood that the variant is disease-causing. Based on the above evidence this variant has been classified as Likely Pathogenic according to the ACMG guidelines.

NM_000341.4(SLC3A1):c.1106_1129delinsCCCGGCAGG (p.Asp369_Arg377delinsAlaArgGlnGly)

Gene: SLC3A1 (solute carrier family 3 member 1; plus strand). Cytogenetic location: 2p21.
Variant type: Indel.
Coding change: c.1106_1129delinsCCCGGCAGG on transcript NM_000341.4 (MANE Select); coding-DNA positions 1106 to 1129, ACCAATACAGCACGGAGCCCGGCA replaced by CCCGGCAGG.
Protein change: p.Asp369_Arg377delinsAlaArgGlnGly.
Molecular consequence: inframe indel.
Genome position (GRCh38, 1-based): chr2:44,301,097-44,301,120, ACCAATACAGCACGGAGCCCGGCA replaced by CCCGGCAGG. GRCh37 (hg19): chr2:44,528,236-44,528,259.
Identifiers: ClinVar variation 2502295 (VCV002502295.1), dbSNP rs2465939469, ClinGen allele CA2580611268.